The following is an entry in ClinVar:

ClinVar aggregate classification (germline): Uncertain significance. Review status: criteria provided, multiple submitters, no conflicts (2 of 4 stars). 5 submissions from 4 submitters: Uncertain significance (5). Last evaluated 2024-02-27.

Conditions:
Usher syndrome type 2A. Also called: USHER SYNDROME, TYPE IIA; RETINAL DISEASE IN USHER SYNDROME TYPE IIA, MODIFIER OF. Identifiers: Orphanet 231178, Orphanet 886, MedGen C1848634, MONDO:0010169, OMIM 276901.
Retinitis pigmentosa 39 (RP39). Identifiers: Orphanet 791, MedGen C3151138, MONDO:0013436, OMIM 613809.

Allele frequency attached by ClinVar (database versions not stated): gnomAD 0.00001; gnomAD exomes 0.00001 and 0.00002; ExAC 0.00002; TOPMed 0.00002.
gnomAD v4.1: 26 of 1,614,074 alleles (0.0016%); highest among the groups gnomAD compares: South Asian, 0.0088%; no homozygotes.

Submissions (5):

Blueprint Genetics
Classification: Uncertain significance. Last evaluated: 2024-02-27. Review status: criteria provided, single submitter. Criteria: ACMG Guidelines, 2015. Collection method: clinical testing. Allele origin: germline.

Labcorp Genetics (formerly Invitae), Labcorp
Classification: Uncertain significance. Last evaluated: 2022-08-11. Review status: criteria provided, single submitter. Criteria: Invitae Variant Classification Sherloc (09022015). Collection method: clinical testing. Allele origin: germline.
Comment: This sequence change replaces arginine, which is basic and polar, with tryptophan, which is neutral and slightly polar, at codon 4848 of the USH2A protein (p.Arg4848Trp). This variant is present in population databases (rs757728612, gnomAD 0.006%). This variant has not been reported in the literature in individuals affected with USH2A-related conditions. ClinVar contains an entry for this variant (Variation ID: 1209711). Algorithms developed to predict the effect of missense changes on protein structure and function are either unavailable or do not agree on the potential impact of this missense change (SIFT: "Deleterious"; PolyPhen-2: "Benign"; Align-GVGD: "Class C0"). In summary, the available evidence is currently insufficient to determine the role of this variant in disease. Therefore, it has been classified as a Variant of Uncertain Significance.

Fulgent Genetics
Classification: Uncertain significance for Usher syndrome type 2A; Retinitis pigmentosa 39. Last evaluated: 2021-07-28. Review status: criteria provided, single submitter. Criteria: ACMG Guidelines, 2015. Collection method: clinical testing. Allele origin: unknown.

Genome-Nilou Lab
Classification: Uncertain significance for Usher syndrome type 2A. Last evaluated: 2021-07-22. Review status: criteria provided, single submitter. Criteria: ACMG Guidelines, 2015. Collection method: clinical testing. Allele origin: germline. Affected: no.

Genome-Nilou Lab
Classification: Uncertain significance for Retinitis pigmentosa 39. Last evaluated: 2021-07-22. Review status: criteria provided, single submitter. Criteria: ACMG Guidelines, 2015. Collection method: clinical testing. Allele origin: germline. Affected: no.

NM_206933.4(USH2A):c.14542C>T (p.Arg4848Trp)

Gene: USH2A (usherin; minus strand). Cytogenetic location: 1q41.
Variant type: single nucleotide variant.
Coding change: c.14542C>T on transcript NM_206933.4 (MANE Select); coding-DNA position 14542, C replaced by T.
Protein change: p.Arg4848Trp; replaces arginine 4848 with tryptophan.
Molecular consequence: missense variant.
Genome position (GRCh38, 1-based): chr1:215,648,568, G>A on the plus strand (C>T on the coding strand, the complement: USH2A is on the minus strand). VCF-style: chr1-215648568-G-A. GRCh37 (hg19) VCF-style: chr1-215821910-G-A.
Other names: short protein forms R4848W.
Identifiers: ClinVar variation 1209711 (VCV001209711.8), dbSNP rs757728612, ClinGen allele CA1392999.